The following is an entry in ClinVar:

NM_032119.4(ADGRV1):c.263_264del (p.Pro88fs)

Gene: ADGRV1 (adhesion G protein-coupled receptor V1; plus strand). Cytogenetic location: 5q14.3.
Variant type: Deletion.
Coding change: c.263_264del on transcript NM_032119.4 (MANE Select); coding-DNA positions 263 to 264, 2 bases deleted (CT; older notation c.263_264delCT).
Protein change: p.Pro88fs; shifts the reading frame from proline 88.
Molecular consequence: frameshift variant. On other transcripts: non-coding transcript variant (1).
Genome position (GRCh38, 1-based): chr5:90,617,859-90,617,860, CT deleted. VCF-style (leftmost placement, unchanged base first): chr5-90617858-CCT-C. GRCh37 (hg19) VCF-style: chr5-89913675-CCT-C.
Other names: short protein forms P88fs.
Identifiers: ClinVar variation 2024727 (VCV002024727.4), dbSNP rs2531706526, ClinGen allele CA2580073722.

ClinVar aggregate classification (germline): Pathogenic (1 of 4 stars; one submission).

Submission:

Labcorp Genetics (formerly Invitae), Labcorp
Classification: Pathogenic. Last evaluated: 2022-08-19. Review status: criteria provided, single submitter. Criteria: Invitae Variant Classification Sherloc (09022015). Collection method: clinical testing. Allele origin: germline.
Comment: For these reasons, this variant has been classified as Pathogenic. This variant has not been reported in the literature in individuals affected with ADGRV1-related conditions. This variant is not present in population databases (gnomAD no frequency). This sequence change creates a premature translational stop signal (p.Pro88Argfs*14) in the ADGRV1 gene. It is expected to result in an absent or disrupted protein product. Loss-of-function variants in ADGRV1 are known to be pathogenic (PMID: 19357117, 22135276, 22147658, 26226137, 30718709, 31047384, 32467589).

Literature cited by the submitters: PubMed 19357117; PubMed 22135276; PubMed 22147658; PubMed 26226137; PubMed 30718709; PubMed 31047384; PubMed 32467589.